The following is an entry in ClinVar:

ClinVar aggregate classification (germline): Uncertain significance (1 of 4 stars; one submission).

Conditions:
RYR1-related disorder. Also called: RYR1-related condition; RYR1-related disorders. Identifiers: MedGen CN239331.

Submission:

Labcorp Genetics (formerly Invitae), Labcorp
Classification: Uncertain significance for RYR1-related disorder. Last evaluated: 2025-10-02. Review status: criteria provided, single submitter. Criteria: Invitae Variant Classification Sherloc (09022015). Collection method: clinical testing. Allele origin: germline.
Comment: This sequence change replaces alanine, which is neutral and non-polar, with valine, which is neutral and non-polar, at codon 3251 of the RYR1 protein (p.Ala3251Val). This variant is not present in population databases (gnomAD no frequency). This variant has not been reported in the literature in individuals affected with RYR1-related conditions. ClinVar contains an entry for this variant (Variation ID: 2909108). Invitae Evidence Modeling of protein sequence and biophysical properties (such as structural, functional, and spatial information, amino acid conservation, physicochemical variation, residue mobility, and thermodynamic stability) indicates that this missense variant is not expected to disrupt RYR1 protein function with a negative predictive value of 80%. In summary, the available evidence is currently insufficient to determine the role of this variant in disease. Therefore, it has been classified as a Variant of Uncertain Significance.

NM_000540.3(RYR1):c.9752C>T (p.Ala3251Val)

Gene: RYR1 (ryanodine receptor 1; plus strand). Cytogenetic location: 19q13.2.
Variant type: single nucleotide variant.
Coding change: c.9752C>T on transcript NM_000540.3 (MANE Select); coding-DNA position 9752, C replaced by T.
Protein change: p.Ala3251Val; replaces alanine 3251 with valine.
Molecular consequence: missense variant.
Genome position (GRCh38, 1-based): chr19:38,517,425, C>T. VCF-style: chr19-38517425-C-T. GRCh37 (hg19) VCF-style: chr19-39008065-C-T.
Other names: c.9752C>T, p.Ala3251Val (NM_001042723.2); short protein forms A3251V.
Identifiers: ClinVar variation 2909108 (VCV002909108.3), dbSNP rs2514432724, ClinGen allele CA405691826.